The following is an entry in ClinVar:

NM_001563.4(IMPG1):c.643_645del (p.Asn215del)

Gene: IMPG1 (interphotoreceptor matrix proteoglycan 1; minus strand). Cytogenetic location: 6q14.1.
Variant type: Deletion.
Coding change: c.643_645del on transcript NM_001563.4 (MANE Select); coding-DNA positions 643 to 645, 3 bases deleted (AAC; older notation c.643_645delAAC).
Protein change: p.Asn215del; deletes asparagine 215.
Molecular consequence: inframe deletion.
Genome position (GRCh38, 1-based): chr6:76,022,137-76,022,139, GTT deleted on the plus strand (AAC on the coding strand, the reverse complement: IMPG1 is on the minus strand); deleting any 3 consecutive bases within chr6:76,022,137-76,022,140 gives the same sequence; the c. name uses the placement nearest the transcript's 3' end. VCF-style (leftmost placement, unchanged base first): chr6-76022136-CGTT-C. GRCh37 (hg19) VCF-style: chr6-76731853-CGTT-C.
Other names: c.643_645delAAC (NM_001563.3); c.409_411del, p.Asn137del (NM_001282368.2); short protein forms N137del, N215del.
Identifiers: ClinVar variation 1390949 (VCV001390949.9), dbSNP rs948971064, ClinGen allele CA141095405.

ClinVar aggregate classification (germline): Uncertain significance. Review status: criteria provided, multiple submitters, no conflicts (2 of 4 stars). 2 submissions from 2 submitters: Uncertain significance (2). Last evaluated 2024-12-26.

Conditions:
IMPG1-related disorder. Also called: IMPG1-related condition.

Submissions (2):

PreventionGenetics, part of Exact Sciences
Classification: Uncertain significance for IMPG1-related condition. Last evaluated: 2024-12-26. Review status: criteria provided, single submitter. Criteria: ACMG Guidelines, 2015. Collection method: clinical testing. Allele origin: germline.
Comment: The IMPG1 c.643_645delAAC variant is predicted to result in an in-frame deletion (p.Asn215del). To our knowledge, this variant has not been reported in the literature. This variant is reported in 0.0080% of alleles in individuals of African descent in gnomAD. At this time, the clinical significance of this variant is uncertain due to the absence of conclusive functional and genetic evidence.

Labcorp Genetics (formerly Invitae), Labcorp
Classification: Uncertain significance. Last evaluated: 2024-10-25. Review status: criteria provided, single submitter. Criteria: Invitae Variant Classification Sherloc (09022015). Collection method: clinical testing. Allele origin: germline.
Comment: This variant, c.643_645del, results in the deletion of 1 amino acid(s) of the IMPG1 protein (p.Asn215del), but otherwise preserves the integrity of the reading frame. This variant is present in population databases (no rsID available, gnomAD 0.008%). This variant has not been reported in the literature in individuals affected with IMPG1-related conditions. ClinVar contains an entry for this variant (Variation ID: 1390949). Experimental studies and prediction algorithms are not available or were not evaluated, and the functional significance of this variant is currently unknown. In summary, the available evidence is currently insufficient to determine the role of this variant in disease. Therefore, it has been classified as a Variant of Uncertain Significance.